The following is an entry in ClinVar:

NM_001083614.2(EARS2):c.*555G>A

Genes: EARS2 (glutamyl-tRNA synthetase 2, mitochondrial; minus strand), GGA2 (golgi associated, gamma adaptin ear containing, ARF binding protein 2; minus strand). Cytogenetic location: 16p12.2.
Variant type: single nucleotide variant.
Coding change: c.*555G>A on transcript NM_001083614.2 (MANE Select); 555 bases downstream of the stop codon, G replaced by A.
Molecular consequence: 3 prime UTR variant. On other transcripts: non-coding transcript variant (1).
Genome position (GRCh38, 1-based): chr16:23,523,816, C>T on the plus strand (G>A on the coding strand, the complement: EARS2 is on the minus strand). VCF-style: chr16-23523816-C-T. GRCh37 (hg19) VCF-style: chr16-23535137-C-T.
Identifiers: ClinVar variation 885121 (VCV000885121.4), dbSNP rs190982783, ClinGen allele CA279503698.

ClinVar aggregate classification (germline): Likely benign (1 of 4 stars; one submission).

Conditions:
Leukoencephalopathy-thalamus and brainstem anomalies-high lactate syndrome. Also called: Combined oxidative phosphorylation deficiency 12; LEUKOENCEPHALOPATHY WITH THALAMUS AND BRAINSTEM INVOLVEMENT AND HIGH LACTATE. Identifiers: Orphanet 314051, MedGen C4706421, MONDO:0013971, OMIM 614924.

Allele frequency attached by ClinVar (database versions not stated): TOPMed 0.00235; 1000 Genomes Project 0.00280; 1000 Genomes Project 30x 0.00344; gnomAD 0.00433 and 0.00465.

Submission:

Illumina Laboratory Services, Illumina
Classification: Likely benign for Leukoencephalopathy-thalamus and brainstem anomalies-high lactate syndrome. Last evaluated: 2018-01-12. Review status: criteria provided, single submitter. Criteria: ICSL Variant Classification Criteria 13 December 2019. Collection method: clinical testing. Allele origin: germline.
Comment: This variant was observed in the ICSL laboratory as part of a predisposition screen in an ostensibly healthy population. It had not been previously curated by ICSL or reported in the Human Gene Mutation Database (HGMD: prior to June 1st, 2018), and was therefore a candidate for classification through an automated scoring system. Utilizing variant allele frequency, disease prevalence and penetrance estimates, and inheritance mode, an automated score was calculated to assess if this variant is too frequent to cause the disease. Based on the score and internal cut-off values, a variant classified as likely benign is not then subjected to further curation. The score for this variant resulted in a classification of likely benign for this disease.